The following is an entry in ClinVar:

NM_001329.4(CTBP2):c.1218C>A (p.Ile406=)

Gene: CTBP2 (C-terminal binding protein 2; minus strand). Cytogenetic location: 10q26.13.
Variant type: single nucleotide variant.
Coding change: c.1218C>A on transcript NM_001329.4 (MANE Select); coding-DNA position 1218, C replaced by A.
Protein change: p.Ile406=; no amino-acid change (isoleucine 406 retained).
Molecular consequence: synonymous variant.
Genome position (GRCh38, 1-based): chr10:124,989,638, G>T on the plus strand (C>A on the coding strand, the complement: CTBP2 is on the minus strand). VCF-style: chr10-124989638-G-T. GRCh37 (hg19) VCF-style: chr10-126678207-G-T.
Other names: c.1218C>A, p.Ile406= (NM_001083914.3, NM_001290214.3, NM_001290215.3 and 3 more transcripts); c.1422C>A, p.Ile474= (NM_001363508.2); c.2838C>A, p.Ile946= (NM_022802.3).
Identifiers: ClinVar variation 1050373 (VCV001050373.25), dbSNP rs796230948, ClinGen allele CA215310322.

ClinVar aggregate classification (germline): Likely benign. Review status: criteria provided, single submitter (1 of 4 stars). 2 submissions from 2 submitters: Likely benign (1). 1 of the submissions does not count toward it. Last evaluated 2023-08-01.

Submissions (2):

CeGaT Center for Human Genetics Tuebingen
Classification: Likely benign. Last evaluated: 2023-08-01. Review status: criteria provided, single submitter. Criteria: CeGaT Center For Human Genetics Tuebingen Variant Classification Criteria Version 2. Collection method: clinical testing. Allele origin: germline. Affected: yes. Observed: 1 variant allele.
Comment: CTBP2: PM2:Supporting, BP4, BP7

Department of Pathology and Laboratory Medicine, Sinai Health System
Classification: Uncertain significance. Review status: no assertion criteria provided. Collection method: clinical testing. Allele origin: unknown. Affected: yes. Study: The Canadian Open Genetics Repository (COGR). Not counted in ClinVar's aggregate classification.